The following is an entry in ClinVar:

ClinVar aggregate classification (germline): Uncertain significance (1 of 4 stars; one submission).

Conditions:
Malignant hyperthermia, susceptibility to, 1 (MHS1). Also called: Anesthesia related hyperthermia; Malignant hyperpyrexia; Fulminating hyperpyrexia; Pharmacogenic myopathy; RYR1-Related Malignant Hyperthermia Susceptibility; Malignant hyperthermia suceptibility 1. Identifiers: Orphanet 423, MedGen C2930980, MONDO:0007783, OMIM 145600.

Submission:

All of Us Research Program, National Institutes of Health
Classification: Uncertain significance for Malignant hyperthermia, susceptibility to, 1. Last evaluated: 2023-06-28. Review status: criteria provided, single submitter. Criteria: ACMG Guidelines, 2015. Collection method: clinical testing. Allele origin: germline. Inheritance: Autosomal dominant inheritance. Observed: 1 variant allele, 1 heterozygote.
Comment: This study involves interpretation of variants in research participants for the purpose of population health screening. Participant phenotype was not available at the time of variant classification. Additional details can be found in publication PMID: 35346344, PMCID: PMC8962531

NM_000540.3(RYR1):c.9923C>T (p.Thr3308Ile)

Gene: RYR1 (ryanodine receptor 1; plus strand). Cytogenetic location: 19q13.2.
Variant type: single nucleotide variant.
Coding change: c.9923C>T on transcript NM_000540.3 (MANE Select); coding-DNA position 9923, C replaced by T.
Protein change: p.Thr3308Ile; replaces threonine 3308 with isoleucine.
Molecular consequence: missense variant.
Genome position (GRCh38, 1-based): chr19:38,517,596, C>T. VCF-style: chr19-38517596-C-T. GRCh37 (hg19) VCF-style: chr19-39008236-C-T.
Other names: c.9923C>T, p.Thr3308Ile (NM_001042723.2); short protein forms T3308I.
Identifiers: ClinVar variation 3071762 (VCV003071762.1), dbSNP rs2514434129, ClinGen allele CA405692788.